The following is an entry in ClinVar:

NM_138694.4(PKHD1):c.977-2A>G

Gene: PKHD1 (PKHD1 ciliary IPT domain containing fibrocystin/polyductin; minus strand). Cytogenetic location: 6p12.2.
Variant type: single nucleotide variant.
Coding change: c.977-2A>G on transcript NM_138694.4 (MANE Select); the canonical splice acceptor site of the intron before coding-DNA position 977, A replaced by G.
Molecular consequence: splice acceptor variant.
Genome position (GRCh38, 1-based): chr6:52,062,662, T>C on the plus strand (A>G on the coding strand, the complement: PKHD1 is on the minus strand). VCF-style: chr6-52062662-T-C. GRCh37 (hg19) VCF-style: chr6-51927460-T-C.
Other names: c.977-2A>G (NM_170724.3).
Identifiers: ClinVar variation 1805223 (VCV001805223.6), dbSNP rs2533444880, ClinGen allele CA364428992.

ClinVar aggregate classification (germline): Pathogenic/Likely pathogenic. Review status: criteria provided, multiple submitters, no conflicts (2 of 4 stars). 5 submissions from 5 submitters: Pathogenic (2); Likely pathogenic (3). Last evaluated 2026-01-29.

Conditions:
Polycystic kidney disease 4 (PKD4). Also called: PKD3; Autosomal Recessive Polycystic Kidney Disease – PKHD1; POLYCYSTIC KIDNEY AND HEPATIC DISEASE 1; POLYCYSTIC KIDNEY DISEASE, INFANTILE, TYPE I; POLYCYSTIC KIDNEY DISEASE 4 WITH OR WITHOUT POLYCYSTIC LIVER DISEASE. Identifiers: MedGen C4540575, MONDO:0033004, OMIM 263200.
Autosomal recessive polycystic kidney disease (ARPKD). Also called: AR polycystic kidney disease. Identifiers: Orphanet 731, Orphanet 8378, MedGen C0085548, MeSH D017044, MONDO:0009889.

Allele frequency attached by ClinVar (database versions not stated): gnomAD exomes below 0.00001.
gnomAD v4.1: 2 of 1,614,100 alleles (0.00012%); highest among the groups gnomAD compares: Non-Finnish European, 0.000085%; no homozygotes.

Submissions (5):

Natera, Inc.
Classification: Pathogenic for Autosomal recessive polycystic kidney disease. Last evaluated: 2026-01-29. Review status: criteria provided, single submitter. Criteria: Natera Variant Classification Schema (03/2026). Collection method: clinical testing. Allele origin: germline.
Comment: The c.977-2A>G variant in PKHD1 is a canonical splice acceptor site variant predicted to affect pre-mRNA splicing, which may result in an abnormal transcript and altered protein product. This variant is expected to result in nonsense mediated decay, truncation, or a dysfunctional protein product. This variant is rare in the general population with a frequency below the threshold expected for the associated phenotype(s). Another variant at this same site results in an alteration predicted to cause a similar molecular effect has been observed in individual(s) with the associated phenotype. Given the available evidence, this variant is classified as Pathogenic.

Labcorp Genetics (formerly Invitae), Labcorp
Classification: Pathogenic for Autosomal recessive polycystic kidney disease. Last evaluated: 2024-02-14. Review status: criteria provided, single submitter. Criteria: Invitae Variant Classification Sherloc (09022015). Collection method: clinical testing. Allele origin: germline.
Comment: This sequence change affects an acceptor splice site in intron 13 of the PKHD1 gene. It is expected to disrupt RNA splicing. Variants that disrupt the donor or acceptor splice site typically lead to a loss of protein function (PMID: 16199547), and loss-of-function variants in PKHD1 are known to be pathogenic (PMID: 19940839). This variant is not present in population databases (gnomAD no frequency). Disruption of this splice site has been observed in individual(s) with autosomal recessive polycystic kidney disease (PMID: 12506140). ClinVar contains an entry for this variant (Variation ID: 1805223). Algorithms developed to predict the effect of sequence changes on RNA splicing suggest that this variant may disrupt the consensus splice site. For these reasons, this variant has been classified as Pathogenic.

Fulgent Genetics
Classification: Likely pathogenic for Polycystic kidney disease 4. Last evaluated: 2024-02-03. Review status: criteria provided, single submitter. Criteria: ACMG Guidelines, 2015. Collection method: clinical testing. Allele origin: germline.

Baylor Genetics
Classification: Likely pathogenic for Polycystic kidney disease 4. Last evaluated: 2023-08-18. Review status: criteria provided, single submitter. Criteria: ACMG Guidelines, 2015. Collection method: clinical testing. Allele origin: unknown.

Victorian Clinical Genetics Services, Murdoch Childrens Research Institute
Classification: Likely pathogenic for Polycystic kidney disease 4. Last evaluated: 2022-02-02. Review status: criteria provided, single submitter. Criteria: ACMG Guidelines, 2015. Collection method: clinical testing. Allele origin: germline. Inheritance: Autosomal recessive inheritance.
Comment: Based on the classification scheme VCGS_Germline_v1.3.4, this variant is classified as likely pathogenic. The following criteria are met: 0102 - Loss of function is a known mechanism of disease in this gene and is associated with polycystic kidney disease 4, with or without hepatic disease (MIM#263200). (I) 0106 - This gene is associated with autosomal recessive disease. (I) 0115 - Variants in this gene are known to have variable expressivity. Significant intrafamilial variation in disease severity has been reported (GeneReviews). (I) 0211 - Canonical splice site variant without proven consequence on splicing (no functional evidence available). (SP) 0251 - This variant is heterozygous. (I) 0301 - Variant is absent from gnomAD (both v2 and v3). (SP) 0505 - Abnormal splicing is predicted by in silico tools and affected nucleotide is highly conserved. Skipping of adjacent exon 14 is predicted to result in a frameshift. (SP) 0807 - This variant has no previous evidence of pathogenicity. (I) 0905 - No published segregation evidence has been identified for this variant. (I) 1007 - No published functional evidence has been identified for this variant. (I) 0703 - Another canonical splice site variant comparable to the one identified in this case has moderate previous evidence for pathogenicity. A different variant in the same splice site (c.977-1G>A) has been shown to cause polycystic kidney disease (ClinVar, PMID: 12506140). (SP) Legend: (SP) - Supporting pathogenic, (I) - Information, (SB) - Supporting benign

Literature cited by the submitters: PubMed 16199547 (cited by Labcorp Genetics (formerly Invitae), Labcorp); PubMed 19940839 (cited by Labcorp Genetics (formerly Invitae), Labcorp); PubMed 12506140 (cited by Labcorp Genetics (formerly Invitae), Labcorp and Victorian Clinical Genetics Services, Murdoch Childrens Research Institute).